The following is an entry in ClinVar:

ClinVar aggregate classification (germline): Likely pathogenic (1 of 4 stars; one submission).

gnomAD v4.1: 4 of 1,460,292 alleles (0.00027%); highest among the groups gnomAD compares: Non-Finnish European, 0.00036%; no homozygotes.

Submission:

GeneDx
Classification: Likely pathogenic. Last evaluated: 2025-01-15. Review status: criteria provided, single submitter. Criteria: GeneDx Variant Classification Process June 2021. Collection method: clinical testing. Allele origin: germline. Affected: yes.
Comment: Nonsense variant predicted to result in protein truncation or nonsense mediated decay in a gene for which loss of function is a known mechanism of disease; Not observed at significant frequency in large population cohorts (gnomAD); Has not been previously published as pathogenic or benign to our knowledge

NM_021008.4(DEAF1):c.136G>T (p.Glu46Ter)

Gene: DEAF1 (DEAF1 transcription factor; minus strand). Cytogenetic location: 11p15.5.
Variant type: single nucleotide variant.
Coding change: c.136G>T on transcript NM_021008.4 (MANE Select); coding-DNA position 136, G replaced by T.
Protein change: p.Glu46Ter; replaces glutamic acid 46 with a stop codon.
Molecular consequence: nonsense. On other transcripts: intron variant (1).
Genome position (GRCh38, 1-based): chr11:694,912, C>A on the plus strand (G>T on the coding strand, the complement: DEAF1 is on the minus strand). VCF-style: chr11-694912-C-A. GRCh37 (hg19) VCF-style: chr11-694912-C-A.
Other names: c.136G>T, p.Glu46Ter (NM_001293634.2); c.-437-3314G>T (NM_001367390.1); short protein forms E46*.
Identifiers: ClinVar variation 2581781 (VCV002581781.2), dbSNP rs1389969543, ClinGen allele CA378939862.